The following is an entry in ClinVar:

ClinVar aggregate classification (germline): Uncertain significance (1 of 4 stars; one submission).

Submission:

GeneDx
Classification: Uncertain significance. Last evaluated: 2025-06-04. Review status: criteria provided, single submitter. Criteria: GeneDx Variant Classification Process June 2021. Collection method: clinical testing. Allele origin: germline. Affected: yes.
Comment: Not observed at significant frequency in large population cohorts (gnomAD); In silico analysis suggests that this missense variant does not alter protein structure/function; Has not been previously published as pathogenic or benign to our knowledge

NM_003458.4(BSN):c.6894G>T (p.Arg2298Ser)

Gene: BSN (bassoon presynaptic cytomatrix protein; plus strand). Cytogenetic location: 3p21.31.
Variant type: single nucleotide variant.
Coding change: c.6894G>T on transcript NM_003458.4 (MANE Select); coding-DNA position 6894, G replaced by T.
Protein change: p.Arg2298Ser; replaces arginine 2298 with serine.
Molecular consequence: missense variant.
Genome position (GRCh38, 1-based): chr3:49,656,450, G>T. VCF-style: chr3-49656450-G-T. GRCh37 (hg19) VCF-style: chr3-49693883-G-T.
Other names: short protein forms R2298S.
Identifiers: ClinVar variation 4536589 (VCV004536589.1).